The following is an entry in ClinVar:

ClinVar aggregate classification (germline): Pathogenic (1 of 4 stars; one submission).

Conditions:
Citrin deficiency. Identifiers: Orphanet 247582, MedGen C1997910, MONDO:0016602.

Submission:

Labcorp Genetics (formerly Invitae), Labcorp
Classification: Pathogenic for Citrin deficiency. Last evaluated: 2023-03-26. Review status: criteria provided, single submitter. Criteria: Invitae Variant Classification Sherloc (09022015). Collection method: clinical testing. Allele origin: germline.
Comment: For these reasons, this variant has been classified as Pathogenic. ClinVar contains an entry for this variant (Variation ID: 643067). This variant has not been reported in the literature in individuals affected with SLC25A13-related conditions. This variant is present in population databases (rs764401478, gnomAD 0.0009%). This sequence change creates a premature translational stop signal (p.Glu327Valfs*45) in the SLC25A13 gene. It is expected to result in an absent or disrupted protein product. Loss-of-function variants in SLC25A13 are known to be pathogenic (PMID: 10369257, 14680984, 27405544).

Literature cited by the submitters: PubMed 10369257; PubMed 14680984; PubMed 27405544.

NM_014251.3(SLC25A13):c.980_981del (p.Glu327fs)

Gene: SLC25A13 (solute carrier family 25 member 13; minus strand). Cytogenetic location: 7q21.3.
Variant type: Microsatellite.
Coding change: c.980_981del on transcript NM_014251.3 (MANE Select); coding-DNA positions 980 to 981, 2 bases deleted (AG; older notation c.980_981delAG).
Protein change: p.Glu327fs; shifts the reading frame from glutamic acid 327.
Molecular consequence: frameshift variant. On other transcripts: non-coding transcript variant (1).
Genome position (GRCh38, 1-based): chr7:96,184,964-96,184,965, CT deleted on the plus strand (AG on the coding strand, the reverse complement: SLC25A13 is on the minus strand); deleting any 2 consecutive bases within chr7:96,184,964-96,184,967 gives the same sequence; the c. name uses the placement nearest the transcript's 3' end. VCF-style (leftmost placement, unchanged base first): chr7-96184963-ACT-A. GRCh37 (hg19) VCF-style: chr7-95814275-ACT-A.
Other names: c.983_984del, p.Glu328fs (NM_001160210.2); short protein forms E328fs, E327fs.
Identifiers: ClinVar variation 643067 (VCV000643067.6), dbSNP rs764401478, ClinGen allele CA4353075.